The following is an entry in ClinVar:

NM_001083961.2(WDR62):c.3731_3740del (p.Thr1244fs)

Gene: WDR62 (WD repeat domain 62; plus strand). Cytogenetic location: 19q13.12.
Variant type: Deletion.
Coding change: c.3731_3740del on transcript NM_001083961.2 (MANE Select); coding-DNA positions 3731 to 3740, 10 bases deleted (CACTGGCCCA; older notation c.3731_3740delCACTGGCCCA).
Protein change: p.Thr1244fs; shifts the reading frame from threonine 1244.
Molecular consequence: frameshift variant.
Genome position (GRCh38, 1-based): chr19:36,103,559-36,103,568, CACTGGCCCA deleted; deleting any 10 consecutive bases within chr19:36,103,556-36,103,568 gives the same sequence; the c. name uses the placement nearest the transcript's 3' end. VCF-style (leftmost placement, unchanged base first): chr19-36103555-GCCACACTGGC-G. GRCh37 (hg19) VCF-style: chr19-36594457-GCCACACTGGC-G.
Other names: c.3716_3725del, p.Thr1239fs (NM_001411145.1, NM_173636.5); c.3482_3491del, p.Thr1161fs (NM_001411146.1); c.3380_3389del, p.Thr1127fs (NM_001411147.1); short protein forms T1239fs, T1244fs, T1127fs, T1161fs.
Identifiers: ClinVar variation 1981207 (VCV001981207.5), dbSNP rs767667321, ClinGen allele CA9396373.

ClinVar aggregate classification (germline): Pathogenic. Review status: criteria provided, multiple submitters, no conflicts (2 of 4 stars). 2 submissions from 2 submitters: Pathogenic (2). Last evaluated 2024-08-13.

Conditions:
Microcephaly 2, primary, autosomal recessive, with or without cortical malformations. Also called: WDR62 Primary Microcephaly; MICROCEPHALY 2, PRIMARY, AUTOSOMAL RECESSIVE, WITH CORTICAL MALFORMATIONS. Identifiers: Orphanet 2512, MedGen C1858535, MONDO:0011435, OMIM 604317.

Submissions (2):

Labcorp Genetics (formerly Invitae), Labcorp
Classification: Pathogenic. Last evaluated: 2024-08-13. Review status: criteria provided, single submitter. Criteria: Invitae Variant Classification Sherloc (09022015). Collection method: clinical testing. Allele origin: germline.
Comment: This sequence change creates a premature translational stop signal (p.Thr1244Serfs*51) in the WDR62 gene. It is expected to result in an absent or disrupted protein product. Loss-of-function variants in WDR62 are known to be pathogenic (PMID: 20729831). This variant is present in population databases (rs767667321, gnomAD 0.02%). This variant has not been reported in the literature in individuals affected with WDR62-related conditions. ClinVar contains an entry for this variant (Variation ID: 1981207). For these reasons, this variant has been classified as Pathogenic.

3billion
Classification: Pathogenic for Microcephaly 2, primary, autosomal recessive, with or without cortical malformations. Last evaluated: 2023-02-23. Review status: criteria provided, single submitter. Criteria: ACMG Guidelines, 2015. Collection method: clinical testing. Allele origin: unknown. Affected: yes.
Comment: The variant is observed at an extremely low frequency in the gnomAD v2.1.1 dataset (total allele frequency: 0.002%). This variant was predicted to result in a loss or disruption of normal protein function through nonsense-mediated decay (NMD) or protein truncation. Multiple pathogenic variants are reported downstream of the variant. Therefore, this variant is classified as Pathogenic according to the recommendation of ACMG/AMP guideline.

Literature cited by the submitters: PubMed 20729831 (cited by Labcorp Genetics (formerly Invitae), Labcorp).